The following is an entry in ClinVar:

ClinVar aggregate classification (germline): Uncertain significance (1 of 4 stars; one submission).

Conditions:
Giant axonal neuropathy 1 (GAN1). Also called: GIANT AXONAL NEUROPATHY 1, AUTOSOMAL RECESSIVE; GAN-Related Neurodegeneration. Identifiers: Orphanet 643, MedGen C1850386, MONDO:0009749, OMIM 256850.

Submission:

3billion
Classification: Uncertain significance for Giant axonal neuropathy 1. Last evaluated: 2022-09-01. Review status: criteria provided, single submitter. Criteria: ACMG Guidelines, 2015. Collection method: clinical testing. Allele origin: germline. Affected: yes. Observed: 1 homozygote.
Comment: The variant is not observed in the gnomAD v2.1.1 dataset. In silico tool predictions suggest damaging effect of the variant on gene or gene product (REVEL: 0.88; 3Cnet: 0.70). Therefore, this variant is classified as uncertain significance according to the recommendation of ACMG/AMP guideline.

NM_022041.4(GAN):c.260T>G (p.Leu87Arg)

Gene: GAN (gigaxonin; plus strand). Cytogenetic location: 16q23.2.
Variant type: single nucleotide variant.
Coding change: c.260T>G on transcript NM_022041.4 (MANE Select); coding-DNA position 260, T replaced by G.
Protein change: p.Leu87Arg; replaces leucine 87 with arginine.
Molecular consequence: missense variant. On other transcripts: intron variant (1).
Genome position (GRCh38, 1-based): chr16:81,351,675, T>G. VCF-style: chr16-81351675-T-G. GRCh37 (hg19) VCF-style: chr16-81385280-T-G.
Other names: c.-357-2730T>G (NM_001377486.1); short protein forms L87R.
Identifiers: ClinVar variation 1705582 (VCV001705582.1), dbSNP rs2507724215, ClinGen allele CA396865995.